The following is an entry in ClinVar:

NM_207122.2(EXT2):c.1888G>C (p.Ala630Pro)

Gene: EXT2 (exostosin glycosyltransferase 2; plus strand). Cytogenetic location: 11p11.2.
Variant type: single nucleotide variant.
Coding change: c.1888G>C on transcript NM_207122.2 (MANE Select); coding-DNA position 1888, G replaced by C.
Protein change: p.Ala630Pro; replaces alanine 630 with proline.
Molecular consequence: missense variant.
Genome position (GRCh38, 1-based): chr11:44,234,196, G>C. VCF-style: chr11-44234196-G-C. GRCh37 (hg19) VCF-style: chr11-44255746-G-C.
Other names: c.1987G>C, p.Ala663Pro (NM_000401.3); c.1918G>C, p.Ala640Pro (NM_001178083.3); c.1888G>C, p.Ala630Pro (NM_001389628.1, NM_001389630.1); short protein forms A630P, A640P, A663P.
Identifiers: ClinVar variation 3241466 (VCV003241466.3), dbSNP rs543397964.

ClinVar aggregate classification (germline): Uncertain significance. Review status: criteria provided, multiple submitters, no conflicts (2 of 4 stars). 3 submissions from 3 submitters: Uncertain significance (3). Last evaluated 2025-05-29.

Conditions:
Inborn genetic diseases. Identifiers: MedGen C0950123, MeSH D030342.
Exostoses, multiple, type 2 (EXT2). Also called: EXOSTOSES, MULTIPLE, TYPE II; Hereditary Multiple Osteochondromatosis, Type II. Identifiers: Orphanet 321, MedGen C1851413, MONDO:0007586, OMIM 133701.

Allele frequency attached by ClinVar (database versions not stated): TOPMed 0.00002.

Submissions (3):

Ambry Genetics
Classification: Uncertain significance for Inborn genetic diseases. Last evaluated: 2025-05-29. Review status: criteria provided, single submitter. Criteria: Ambry Variant Classification Scheme 2023. Collection method: clinical testing. Allele origin: germline.

Labcorp Genetics (formerly Invitae), Labcorp
Classification: Uncertain significance for Exostoses, multiple, type 2. Last evaluated: 2025-05-14. Review status: criteria provided, single submitter. Criteria: Invitae Variant Classification Sherloc (09022015). Collection method: clinical testing. Allele origin: germline.
Comment: This sequence change replaces alanine, which is neutral and non-polar, with proline, which is neutral and non-polar, at codon 630 of the EXT2 protein (p.Ala630Pro). This variant is not present in population databases (gnomAD no frequency). This variant has not been reported in the literature in individuals affected with EXT2-related conditions. ClinVar contains an entry for this variant (Variation ID: 3241466). Invitae Evidence Modeling of protein sequence and biophysical properties (such as structural, functional, and spatial information, amino acid conservation, physicochemical variation, residue mobility, and thermodynamic stability) indicates that this missense variant is expected to disrupt EXT2 protein function with a positive predictive value of 95%. In summary, the available evidence is currently insufficient to determine the role of this variant in disease. Therefore, it has been classified as a Variant of Uncertain Significance.

Baylor Genetics
Classification: Uncertain significance for Exostoses, multiple, type 2. Last evaluated: 2024-02-17. Review status: criteria provided, single submitter. Criteria: ACMG Guidelines, 2015. Collection method: clinical testing. Allele origin: unknown.